The following is an entry in ClinVar:

ClinVar aggregate classification (germline): Uncertain significance. Review status: criteria provided, multiple submitters, no conflicts (2 of 4 stars). 2 submissions from 2 submitters: Uncertain significance (2). Last evaluated 2023-09-20.

Conditions:
Familial adenomatous polyposis 1 (FAP1). Also called: FAMILIAL ADENOMATOUS POLYPOSIS 1, ATTENUATED; POLYPOSIS, ADENOMATOUS INTESTINAL. Identifiers: MedGen C2713442, MONDO:0021056, OMIM 175100. Disease mechanism: loss of function.
Hereditary cancer-predisposing syndrome. Also called: Tumor predisposition; Hereditary Cancer Syndrome; Hereditary neoplastic syndrome; Neoplastic Syndromes, Hereditary. Identifiers: Orphanet 140162, MedGen C0027672, MeSH D009386, MONDO:0015356.

Submissions (2):

Ambry Genetics
Classification: Uncertain significance for Hereditary cancer-predisposing syndrome. Last evaluated: 2023-09-20. Review status: criteria provided, single submitter. Criteria: Ambry Variant Classification Scheme 2023. Collection method: clinical testing. Allele origin: germline.
Comment: The p.T2356S variant (also known as c.7066A>T), located in coding exon 15 of the APC gene, results from an A to T substitution at nucleotide position 7066. The threonine at codon 2356 is replaced by serine, an amino acid with similar properties. This amino acid position is conserved. In addition, in silico predictors for this gene do not accurately predict pathogenicity. Since supporting evidence is limited at this time, the clinical significance of this alteration remains unclear.

Labcorp Genetics (formerly Invitae), Labcorp
Classification: Uncertain significance for Familial adenomatous polyposis 1. Last evaluated: 2023-06-28. Review status: criteria provided, single submitter. Criteria: Invitae Variant Classification Sherloc (09022015). Collection method: clinical testing. Allele origin: germline.
Comment: In summary, the available evidence is currently insufficient to determine the role of this variant in disease. Therefore, it has been classified as a Variant of Uncertain Significance. Advanced modeling of protein sequence and biophysical properties (such as structural, functional, and spatial information, amino acid conservation, physicochemical variation, residue mobility, and thermodynamic stability) performed at Invitae indicates that this missense variant is not expected to disrupt APC protein function. ClinVar contains an entry for this variant (Variation ID: 537425). This variant has not been reported in the literature in individuals affected with APC-related conditions. This variant is not present in population databases (gnomAD no frequency). This sequence change replaces threonine, which is neutral and polar, with serine, which is neutral and polar, at codon 2356 of the APC protein (p.Thr2356Ser).

NM_000038.6(APC):c.7066A>T (p.Thr2356Ser)

Gene: APC (APC regulator of Wnt signaling pathway; plus strand). Cytogenetic location: 5q22.2.
Variant type: single nucleotide variant.
Coding change: c.7066A>T on transcript NM_000038.6 (MANE Select); coding-DNA position 7066, A replaced by T.
Protein change: p.Thr2356Ser; replaces threonine 2356 with serine.
Molecular consequence: missense variant.
Genome position (GRCh38, 1-based): chr5:112,842,660, A>T. VCF-style: chr5-112842660-A-T. GRCh37 (hg19) VCF-style: chr5-112178357-A-T.
Other names: c.7066A>T, p.Thr2356Ser (NM_001127510.3, NM_001354895.2); c.7012A>T, p.Thr2338Ser (NM_001127511.3); c.7120A>T, p.Thr2374Ser (NM_001354896.2); c.7096A>T, p.Thr2366Ser (NM_001354897.2); c.6991A>T, p.Thr2331Ser (NM_001354898.2); c.6982A>T, p.Thr2328Ser (NM_001354899.2); c.6943A>T, p.Thr2315Ser (NM_001354900.2); c.6889A>T, p.Thr2297Ser (NM_001354901.2); and 5 more; short protein forms T2338S, T2356S, T2255S, T2265S, T2297S, T2328S, T2315S, T2073S.
Identifiers: ClinVar variation 537425 (VCV000537425.12), dbSNP rs751861630, ClinGen allele CA16036727.